The following is an entry in ClinVar:

ClinVar aggregate classification (germline): Uncertain significance (1 of 4 stars; one submission).

Submission:

GeneDx
Classification: Uncertain significance. Last evaluated: 2025-04-01. Review status: criteria provided, single submitter. Criteria: GeneDx Variant Classification Process June 2021. Collection method: clinical testing. Allele origin: germline. Affected: yes.
Comment: Not observed at significant frequency in large population cohorts (gnomAD); In silico analysis indicates that this missense variant does not alter protein structure/function; Has not been previously published as pathogenic or benign to our knowledge

NM_021096.4(CACNA1I):c.6340G>A (p.Ala2114Thr)

Gene: CACNA1I (calcium voltage-gated channel subunit alpha1 I; plus strand). Cytogenetic location: 22q13.1.
Variant type: single nucleotide variant.
Coding change: c.6340G>A on transcript NM_021096.4 (MANE Select); coding-DNA position 6340, G replaced by A.
Protein change: p.Ala2114Thr; replaces alanine 2114 with threonine.
Molecular consequence: missense variant.
Genome position (GRCh38, 1-based): chr22:39,686,073, G>A. VCF-style: chr22-39686073-G-A. GRCh37 (hg19) VCF-style: chr22-40082078-G-A.
Other names: c.6235G>A, p.Ala2079Thr (NM_001003406.2); short protein forms A2079T, A2114T.
Identifiers: ClinVar variation 4278708 (VCV004278708.1).